The following is an entry in ClinVar:

NM_001077653.2(TBX20):c.392C>T (p.Pro131Leu)

Gene: TBX20 (T-box transcription factor 20; minus strand). Cytogenetic location: 7p14.2.
Variant type: single nucleotide variant.
Coding change: c.392C>T on transcript NM_001077653.2 (MANE Select); coding-DNA position 392, C replaced by T.
Protein change: p.Pro131Leu; replaces proline 131 with leucine.
Molecular consequence: missense variant.
Genome position (GRCh38, 1-based): chr7:35,248,830, G>A on the plus strand (C>T on the coding strand, the complement: TBX20 is on the minus strand). VCF-style: chr7-35248830-G-A. GRCh37 (hg19) VCF-style: chr7-35288442-G-A.
Other names: c.392C>T, p.Pro131Leu (NM_001166220.1); short protein forms P131L.
Identifiers: ClinVar variation 4739714 (VCV004739714.1).

ClinVar aggregate classification (germline): Uncertain significance (1 of 4 stars; one submission).

Submission:

Labcorp Genetics (formerly Invitae), Labcorp
Classification: Uncertain significance. Last evaluated: 2025-12-10. Review status: criteria provided, single submitter. Criteria: Invitae Variant Classification Sherloc (09022015). Collection method: clinical testing. Allele origin: germline.
Comment: This sequence change replaces proline, which is neutral and non-polar, with leucine, which is neutral and non-polar, at codon 131 of the TBX20 protein (p.Pro131Leu). This variant is not present in population databases (gnomAD no frequency). This variant has not been reported in the literature in individuals affected with TBX20-related conditions. Invitae Evidence Modeling of protein sequence and biophysical properties (such as structural, functional, and spatial information, amino acid conservation, physicochemical variation, residue mobility, and thermodynamic stability) indicates that this missense variant is expected to disrupt TBX20 protein function with a positive predictive value of 80%. In summary, the available evidence is currently insufficient to determine the role of this variant in disease. Therefore, it has been classified as a Variant of Uncertain Significance.